The following is an entry in ClinVar:

ClinVar aggregate classification (germline): Conflicting classifications of pathogenicity. Review status: criteria provided, conflicting classifications (1 of 4 stars). 5 submissions from 1 submitter: Uncertain significance (3); Benign (2). Last evaluated 2018-01-12.

Conditions:
Early-onset myopathy with fatal cardiomyopathy (CMYO5). Also called: CONGENITAL MYOPATHY 5 WITH CARDIOMYOPATHY; Salih Myopathy. Identifiers: Orphanet 289377, MedGen C2673677, MONDO:0012714, OMIM 611705. Disease mechanism: loss of function.
Autosomal recessive limb-girdle muscular dystrophy type 2J (LGMDR10). Also called: Limb-girdle muscular dystrophy, type 2J; MUSCULAR DYSTROPHY, LIMB-GIRDLE, AUTOSOMAL RECESSIVE 10. Identifiers: Orphanet 140922, MedGen C1837342, MONDO:0012127, OMIM 608807.
Myopathy, myofibrillar, 9, with early respiratory failure (MFM9). Also called: EDSTROM MYOPATHY; MYOPATHY, PROXIMAL, WITH EARLY RESPIRATORY MUSCLE INVOLVEMENT; Myopathy, distal, with early respiratory failure, autosomal dominant; Hereditary myopathy with early respiratory failure. Identifiers: Orphanet 178464, Orphanet 34521, MedGen C1863599, MONDO:0011362, OMIM 603689.
Tibial muscular dystrophy (TMD). Also called: Tibial muscular dystrophy, tardive; UDD MYOPATHY; Udd Distal Myopathy – Tibial Muscular Dystrophy. Identifiers: Orphanet 609, MedGen C1838244, MONDO:0010870, OMIM 600334.
Dilated cardiomyopathy 1G (CMD1G). Identifiers: Orphanet 154, MedGen C1858763, MONDO:0011400, OMIM 604145.

Allele frequency attached by ClinVar (database versions not stated): TOPMed below 0.00001; gnomAD 0.00002; gnomAD exomes 0.00003 and 0.00004; ExAC 0.00005; 1000 Genomes Project 30x 0.00031; 1000 Genomes Project 0.00040.

Submissions (5):

Illumina Laboratory Services, Illumina
Classification: Uncertain significance for Dilated cardiomyopathy 1G. Last evaluated: 2018-01-12. Review status: criteria provided, single submitter. Criteria: ICSL Variant Classification Criteria 13 December 2019. Collection method: clinical testing. Allele origin: germline.

Illumina Laboratory Services, Illumina
Classification: Benign for Myopathy, myofibrillar, 9, with early respiratory failure. Last evaluated: 2018-01-12. Review status: criteria provided, single submitter. Criteria: ICSL Variant Classification Criteria 13 December 2019. Collection method: clinical testing. Allele origin: germline.
Comment: This variant was observed in the ICSL laboratory as part of a predisposition screen in an ostensibly healthy population. It had not been previously curated by ICSL or reported in the Human Gene Mutation Database (HGMD: prior to June 1st, 2018), and was therefore a candidate for classification through an automated scoring system. Utilizing variant allele frequency, disease prevalence and penetrance estimates, and inheritance mode, an automated score was calculated to assess if this variant is too frequent to cause the disease. Based on the score and internal cut-off values, a variant classified as benign is not then subjected to further curation. The score for this variant resulted in a classification of benign for this disease.

Illumina Laboratory Services, Illumina
Classification: Uncertain significance for Autosomal recessive limb-girdle muscular dystrophy type 2J. Last evaluated: 2018-01-12. Review status: criteria provided, single submitter. Criteria: ICSL Variant Classification Criteria 13 December 2019. Collection method: clinical testing. Allele origin: germline.

Illumina Laboratory Services, Illumina
Classification: Benign for Tibial muscular dystrophy. Last evaluated: 2018-01-12. Review status: criteria provided, single submitter. Criteria: ICSL Variant Classification Criteria 13 December 2019. Collection method: clinical testing. Allele origin: germline.
Comment: the same text as in the submission from Illumina Laboratory Services, Illumina above.

Illumina Laboratory Services, Illumina
Classification: Uncertain significance for Early-onset myopathy with fatal cardiomyopathy. Last evaluated: 2018-01-12. Review status: criteria provided, single submitter. Criteria: ICSL Variant Classification Criteria 13 December 2019. Collection method: clinical testing. Allele origin: germline.

NM_001267550.2(TTN):c.41569G>A (p.Ala13857Thr)

Gene: TTN (titin; minus strand). Cytogenetic location: 2q31.2.
Variant type: single nucleotide variant.
Coding change: c.41569G>A on transcript NM_001267550.2 (MANE Select); coding-DNA position 41569, G replaced by A.
Protein change: p.Ala13857Thr; replaces alanine 13857 with threonine.
Molecular consequence: missense variant.
Genome position (GRCh38, 1-based): chr2:178,636,002, C>T on the plus strand (G>A on the coding strand, the complement: TTN is on the minus strand). VCF-style: chr2-178636002-C-T. GRCh37 (hg19) VCF-style: chr2-179500729-C-T.
Other names: c.36646G>A, p.Ala12216Thr (NM_001256850.1); c.14374G>A, p.Ala4792Thr (NM_003319.4); c.33865G>A, p.Ala11289Thr (NM_133378.4); c.14749G>A, p.Ala4917Thr (NM_133432.3); c.14950G>A, p.Ala4984Thr (NM_133437.4); short protein forms A4792T, A12216T, A11289T, A13857T, A4917T, A4984T.
Identifiers: ClinVar variation 893398 (VCV000893398.4), dbSNP rs144963490, ClinGen allele CA1996244.
Genomic context (GRCh38, chr2:178,636,002, plus strand): 5'-ATCTCCCAGGAAAGTACTAACCTACTACTTTTACGCAAGATGAACACTCCAGGTTGTTGG[C>T]GTTTTCCACAGTAACTGTGTATGTTCCAGCATCTGTGTCATCTGCATCGTTGATGGTCAG-3'
Protein context (NP_001254479.2, residues 13847-13867): AGTYTVTVEN[Ala13857Thr]NNLECSSCVK